The following is an entry in ClinVar:

NM_005477.3(HCN4):c.217G>A (p.Gly73Arg)

Gene: HCN4 (hyperpolarization activated cyclic nucleotide gated potassium channel 4; minus strand). Cytogenetic location: 15q24.1.
Variant type: single nucleotide variant.
Coding change: c.217G>A on transcript NM_005477.3 (MANE Select); coding-DNA position 217, G replaced by A.
Protein change: p.Gly73Arg; replaces glycine 73 with arginine.
Molecular consequence: missense variant.
Genome position (GRCh38, 1-based): chr15:73,368,054, C>T on the plus strand (G>A on the coding strand, the complement: HCN4 is on the minus strand). VCF-style: chr15-73368054-C-T. GRCh37 (hg19) VCF-style: chr15-73660395-C-T.
Other names: short protein forms G73R.
Identifiers: ClinVar variation 1787246 (VCV001787246.2), dbSNP rs2043137805, ClinGen allele CA393098687.

ClinVar aggregate classification (germline): Uncertain significance (1 of 4 stars; one submission).

Conditions:
Cardiovascular phenotype. Identifiers: MedGen CN230736.

Allele frequency attached by ClinVar (database versions not stated): gnomAD 0.00001.

Submission:

Ambry Genetics
Classification: Uncertain significance for Cardiovascular phenotype. Last evaluated: 2022-09-19. Review status: criteria provided, single submitter. Criteria: Ambry Variant Classification Scheme 2023. Collection method: clinical testing. Allele origin: germline.
Comment: The p.G73R variant (also known as c.217G>A), located in coding exon 1 of the HCN4 gene, results from a G to A substitution at nucleotide position 217. The glycine at codon 73 is replaced by arginine, an amino acid with dissimilar properties. This amino acid position is conserved. In addition, the in silico prediction for this alteration is inconclusive. Since supporting evidence is limited at this time, the clinical significance of this alteration remains unclear.